The following is an entry in ClinVar:

ClinVar aggregate classification (germline): Uncertain significance (1 of 4 stars; one submission).

gnomAD v4.1: 4 of 1,613,884 alleles (0.00025%); highest among the groups gnomAD compares: East Asian, 0.0089%; no homozygotes.

Submission:

Women's Health and Genetics/Laboratory Corporation of America, LabCorp
Classification: Uncertain significance. Last evaluated: 2026-01-02. Review status: criteria provided, single submitter. Criteria: LabCorp Variant Classification Summary - May 2015. Collection method: clinical testing. Allele origin: germline.
Comment: Variant summary: NBAS c.1018G>C (p.Gly340Arg) results in a non-conservative amino acid change in the encoded protein sequence. Algorithms developed to predict the effect of missense changes on protein structure and function are either unavailable or do not agree on the potential impact of this missense change. The variant allele was found at a frequency of 4e-06 in 251340 control chromosomes. c.1018G>C has been observed in individual(s) affected with Liver Failure Acute Infantile, Type 2. These data indicate that the variant may be associated with disease. To our knowledge, no experimental evidence demonstrating an impact on protein function has been reported. The following publications have been ascertained in the context of this evaluation (PMID: 30622725, 32957979). No submitters have cited clinical-significance assessments for this variant to ClinVar. Based on the evidence outlined above, the variant was classified as VUS-possibly pathogenic.

Literature cited by the submitters: PubMed 30622725; PubMed 32957979.

NM_015909.4(NBAS):c.1018G>C (p.Gly340Arg)

Gene: NBAS (NBAS subunit of NRZ tethering complex; minus strand). Cytogenetic location: 2p24.3.
Variant type: single nucleotide variant.
Coding change: c.1018G>C on transcript NM_015909.4 (MANE Select); coding-DNA position 1018, G replaced by C.
Protein change: p.Gly340Arg; replaces glycine 340 with arginine.
Molecular consequence: missense variant. On other transcripts: non-coding transcript variant (1).
Genome position (GRCh38, 1-based): chr2:15,488,959, C>G on the plus strand (G>C on the coding strand, the complement: NBAS is on the minus strand). VCF-style: chr2-15488959-C-G. GRCh37 (hg19) VCF-style: chr2-15629083-C-G.
Other names: short protein forms G340R.
Identifiers: ClinVar variation 4689684 (VCV004689684.1).